The following is an entry in ClinVar:

NM_017837.4(PIGV):c.804A>G (p.Ser268=)

Gene: PIGV (phosphatidylinositol glycan anchor biosynthesis class V; plus strand). Cytogenetic location: 1p36.11.
Variant type: single nucleotide variant.
Coding change: c.804A>G on transcript NM_017837.4 (MANE Select); coding-DNA position 804, A replaced by G.
Protein change: p.Ser268=; no amino-acid change (serine 268 retained).
Molecular consequence: synonymous variant. On other transcripts: non-coding transcript variant (1), intron variant (1).
Genome position (GRCh38, 1-based): chr1:26,794,838, A>G. VCF-style: chr1-26794838-A-G. GRCh37 (hg19) VCF-style: chr1-27121329-A-G.
Other names: c.804A>G, p.Ser268= (NM_001202554.2, NM_001374478.1, NM_001374480.1 and 2 more transcripts); c.423A>G, p.Ser141= (NM_001374483.1); c.177A>G, p.Ser59= (NM_001374484.1, NM_001374485.1); c.79-2725A>G (NM_001374486.1).
Identifiers: ClinVar variation 507061 (VCV000507061.8), dbSNP rs745595984, ClinGen allele CA708118.
Genomic context (GRCh38, chr1:26,794,838, plus strand): 5'-TGGCCTTCCCTTTGCCCTCTTTCAGTATTATGCCTACACCCAATTCTGTCTGCCAGGCTC[A>G]GCCCGCCCCATTCCTGAGCCTTTGGTACAGTTAGCTGTAGACAAGGGCTACCGGATTGCA-3'
Protein context (NP_060307.2, residues 258-278): YAYTQFCLPG[Ser268=]ARPIPEPLVQ

ClinVar aggregate classification (germline): Likely benign. Review status: criteria provided, multiple submitters, no conflicts (2 of 4 stars). 2 submissions from 2 submitters: Likely benign (2). Last evaluated 2025-04-11.

Allele frequency attached by ClinVar (database versions not stated): gnomAD exomes below 0.00001; ExAC 0.00001; gnomAD 0.00004 and 0.00005; TOPMed 0.00008.
gnomAD v4.1: 9 of 1,613,836 alleles (0.00056%); highest among the groups gnomAD compares: African/African-American, 0.012%; no homozygotes.

Submissions (2):

Labcorp Genetics (formerly Invitae), Labcorp
Classification: Likely benign. Last evaluated: 2025-04-11. Review status: criteria provided, single submitter. Criteria: Invitae Variant Classification Sherloc (09022015). Collection method: clinical testing. Allele origin: germline.

GeneDx
Classification: Likely benign. Last evaluated: 2017-01-26. Review status: criteria provided, single submitter. Criteria: GeneDx Variant Classification (06012015). Collection method: clinical testing. Allele origin: germline. Affected: yes.
Comment: This variant is considered likely benign or benign based on one or more of the following criteria: it is a conservative change, it occurs at a poorly conserved position in the protein, it is predicted to be benign by multiple in silico algorithms, and/or has population frequency not consistent with disease.